The following is an entry in ClinVar:

NM_000123.4(ERCC5):c.1105G>A (p.Ala369Thr)

Genes: BIVM-ERCC5 (BIVM-ERCC5 readthrough; plus strand), ERCC5 (ERCC excision repair 5, endonuclease; plus strand). Cytogenetic location: 13q33.1.
Variant type: single nucleotide variant.
Coding change: c.1105G>A on transcript NM_000123.4 (MANE Select); coding-DNA position 1105, G replaced by A.
Protein change: p.Ala369Thr; replaces alanine 369 with threonine.
Molecular consequence: missense variant.
Genome position (GRCh38, 1-based): chr13:102,862,254, G>A. VCF-style: chr13-102862254-G-A. GRCh37 (hg19) VCF-style: chr13-103514604-G-A.
Other names: c.2467G>A, p.Ala823Thr (NM_001204425.2); short protein forms A369T, A823T.
Identifiers: ClinVar variation 1692173 (VCV001692173.1), dbSNP rs983200101, ClinGen allele CA255224492.

ClinVar aggregate classification (germline): Uncertain significance (1 of 4 stars; one submission).

Conditions:
Hereditary cancer-predisposing syndrome. Also called: Hereditary Cancer Syndrome; Hereditary neoplastic syndrome; Neoplastic Syndromes, Hereditary; Tumor predisposition. Identifiers: Orphanet 140162, MedGen C0027672, MeSH D009386, MONDO:0015356.

Allele frequency attached by ClinVar (database versions not stated): gnomAD exomes below 0.00001 and 0.00002; gnomAD 0.00001; TOPMed 0.00001.
gnomAD v4.1: 28 of 1,614,012 alleles (0.0017%); highest among the groups gnomAD compares: Non-Finnish European, 0.0021%; no homozygotes.

Submission:

Sema4
Classification: Uncertain significance for Hereditary cancer-predisposing syndrome. Last evaluated: 2022-02-24. Review status: criteria provided, single submitter. Criteria: Sema4 Curation Guidelines. Collection method: curation. Allele origin: germline.
Comment: The ERCC5 c.1105G>A (p.A369T) variant has not been reported in the literature to our knowledge. This variant was observed in 1/113378 chromosomes in the Non-Finnish European population, according to the Genome Aggregation Database (PMID: 32461654). The variant has not been reported in ClinVar. In silico tools suggest the impact of the variant on protein function is benign, though these predictions have not been confirmed by functional studies. The evidence is insufficient to meet ACMG/AMP criteria for classifying the variant as benign or pathogenic. Thus, the clinical significance of this variant is currently uncertain.